The following is an entry in ClinVar:

NM_024577.4(SH3TC2):c.2317C>T (p.Pro773Ser)

Gene: SH3TC2 (SH3 domain and tetratricopeptide repeats 2; minus strand). Cytogenetic location: 5q32.
Variant type: single nucleotide variant.
Coding change: c.2317C>T on transcript NM_024577.4 (MANE Select); coding-DNA position 2317, C replaced by T.
Protein change: p.Pro773Ser; replaces proline 773 with serine.
Molecular consequence: missense variant.
Genome position (GRCh38, 1-based): chr5:149,027,415, G>A on the plus strand (C>T on the coding strand, the complement: SH3TC2 is on the minus strand). VCF-style: chr5-149027415-G-A. GRCh37 (hg19) VCF-style: chr5-148406978-G-A.
Other names: short protein forms P773S.
Identifiers: ClinVar variation 917281 (VCV000917281.5), dbSNP rs1416387782, ClinGen allele CA361666619.

ClinVar aggregate classification (germline): Uncertain significance. Review status: criteria provided, multiple submitters, no conflicts (2 of 4 stars). 2 submissions from 2 submitters: Uncertain significance (2). Last evaluated 2022-04-07.

Conditions:
Charcot-Marie-Tooth disease. Also called: Charcot-Marie-Tooth Hereditary Neuropathy; Charcot-Marie-Tooth Neuropathy. Identifiers: Orphanet 166, MedGen C0007959, MONDO:0015626.
Charcot-Marie-Tooth disease type 4. Also called: Charcot-Marie-Tooth, Type 4; Charcot-Marie-Tooth disease, type IV. Identifiers: Orphanet 64749, MedGen C4082197, MONDO:0018995.

Allele frequency attached by ClinVar (database versions not stated): gnomAD exomes below 0.00001; TOPMed below 0.00001; gnomAD 0.00001.
gnomAD v4.1: 2 of 1,614,034 alleles (0.00012%); highest among the groups gnomAD compares: East Asian, 0.0022%; no homozygotes.

Submissions (2):

Labcorp Genetics (formerly Invitae), Labcorp
Classification: Uncertain significance for Charcot-Marie-Tooth disease type 4. Last evaluated: 2022-04-07. Review status: criteria provided, single submitter. Criteria: Invitae Variant Classification Sherloc (09022015). Collection method: clinical testing. Allele origin: germline.
Comment: ClinVar contains an entry for this variant (Variation ID: 917281). In summary, the available evidence is currently insufficient to determine the role of this variant in disease. Therefore, it has been classified as a Variant of Uncertain Significance. Advanced modeling of protein sequence and biophysical properties (such as structural, functional, and spatial information, amino acid conservation, physicochemical variation, residue mobility, and thermodynamic stability) performed at Invitae indicates that this missense variant is not expected to disrupt SH3TC2 protein function. This variant has not been reported in the literature in individuals affected with SH3TC2-related conditions. This variant is not present in population databases (gnomAD no frequency). This sequence change replaces proline, which is neutral and non-polar, with serine, which is neutral and polar, at codon 773 of the SH3TC2 protein (p.Pro773Ser).

Molecular Genetics Laboratory, London Health Sciences Centre
Classification: Uncertain significance for Charcot-Marie-Tooth disease. Review status: criteria provided, single submitter. Criteria: ACMG Guidelines, 2015. Collection method: clinical testing. Allele origin: germline. Affected: yes.